The following is an entry in ClinVar:

NM_001122681.2(SH3BP2):c.1380C>A (p.Asn460Lys)

Gene: SH3BP2 (SH3 domain binding protein 2; plus strand). Cytogenetic location: 4p16.3.
Variant type: single nucleotide variant.
Coding change: c.1380C>A on transcript NM_001122681.2 (MANE Select); coding-DNA position 1380, C replaced by A.
Protein change: p.Asn460Lys; replaces asparagine 460 with lysine.
Molecular consequence: missense variant.
Genome position (GRCh38, 1-based): chr4:2,831,952, C>A. VCF-style: chr4-2831952-C-A. GRCh37 (hg19) VCF-style: chr4-2833679-C-A.
Other names: c.1464C>A, p.Asn488Lys (NM_001145855.2); c.1551C>A, p.Asn517Lys (NM_001145856.2); c.1380C>A, p.Asn460Lys (NM_003023.4); short protein forms N460K, N488K, N517K.
Identifiers: ClinVar variation 1063896 (VCV001063896.9), dbSNP rs1322292807, ClinGen allele CA356058209.

ClinVar aggregate classification (germline): Uncertain significance (1 of 4 stars; one submission).

Conditions:
Fibrous dysplasia of jaw (CRBM). Also called: Cherubism. Identifiers: Orphanet 184, MedGen C0008029, MONDO:0007315, OMIM 118400.

Allele frequency attached by ClinVar (database versions not stated): gnomAD exomes below 0.00001.
gnomAD v4.1: 6 of 1,613,110 alleles (0.00037%); highest among the groups gnomAD compares: Non-Finnish European, 0.00051%; no homozygotes.

Submission:

Labcorp Genetics (formerly Invitae), Labcorp
Classification: Uncertain significance for Fibrous dysplasia of jaw. Last evaluated: 2025-11-02. Review status: criteria provided, single submitter. Criteria: Invitae Variant Classification Sherloc (09022015). Collection method: clinical testing. Allele origin: germline.
Comment: This sequence change replaces asparagine, which is neutral and polar, with lysine, which is basic and polar, at codon 460 of the SH3BP2 protein (p.Asn460Lys). This variant is present in population databases (no rsID available, gnomAD 0.0009%). This variant has not been reported in the literature in individuals affected with SH3BP2-related conditions. ClinVar contains an entry for this variant (Variation ID: 1063896). Invitae Evidence Modeling of protein sequence and biophysical properties (such as structural, functional, and spatial information, amino acid conservation, physicochemical variation, residue mobility, and thermodynamic stability) indicates that this missense variant is not expected to disrupt SH3BP2 protein function with a negative predictive value of 95%. In summary, the available evidence is currently insufficient to determine the role of this variant in disease. Therefore, it has been classified as a Variant of Uncertain Significance.